The following is an entry in ClinVar:

NM_001035.3(RYR2):c.14711G>C (p.Gly4904Ala)

Gene: RYR2 (ryanodine receptor 2; plus strand). Cytogenetic location: 1q43.
Variant type: single nucleotide variant.
Coding change: c.14711G>C on transcript NM_001035.3 (MANE Select); coding-DNA position 14711, G replaced by C.
Protein change: p.Gly4904Ala; replaces glycine 4904 with alanine.
Molecular consequence: missense variant.
Genome position (GRCh38, 1-based): chr1:237,830,585, G>C. VCF-style: chr1-237830585-G-C. GRCh37 (hg19) VCF-style: chr1-237993885-G-C.
Other names: short protein forms G4904A.
Identifiers: ClinVar variation 3893471 (VCV003893471.1).

ClinVar aggregate classification (germline): Uncertain significance (1 of 4 stars; one submission).

Submission:

GeneDx
Classification: Uncertain significance. Last evaluated: 2024-10-23. Review status: criteria provided, single submitter. Criteria: GeneDx Variant Classification Process June 2021. Collection method: clinical testing. Allele origin: germline. Affected: yes.
Comment: Has not been previously published as pathogenic or benign to our knowledge; Not observed at significant frequency in large population cohorts (gnomAD); Located in one of the three hot-spot regions of the RYR2 gene, where the majority of pathogenic missense variants occur (PMID: 19926015); In silico analysis supports that this missense variant has a deleterious effect on protein structure/function; This variant is associated with the following publications: (PMID: 19926015)